The following is an entry in ClinVar:

ClinVar aggregate classification (germline): Uncertain significance. Review status: criteria provided, multiple submitters, no conflicts (2 of 4 stars). 2 submissions from 2 submitters: Uncertain significance (2). Last evaluated 2024-10-24.

Conditions:
Inborn genetic diseases. Identifiers: MedGen C0950123, MeSH D030342.
Ulnar-mammary syndrome (UMS). Also called: Ulnar-mammary syndrome of Pallister; PALLISTER ULNAR-MAMMARY SYNDROME; SCHINZEL SYNDROME. Identifiers: Orphanet 3138, MedGen C1866994, MONDO:0008411, OMIM 181450.

Allele frequency attached by ClinVar (database versions not stated): gnomAD 0.00001.
gnomAD v4.1: 12 of 1,572,598 alleles (0.00076%); highest among the groups gnomAD compares: South Asian, 0.0035%; no homozygotes.

Submissions (2):

Labcorp Genetics (formerly Invitae), Labcorp
Classification: Uncertain significance for Ulnar-mammary syndrome. Last evaluated: 2024-10-24. Review status: criteria provided, single submitter. Criteria: Invitae Variant Classification Sherloc (09022015). Collection method: clinical testing. Allele origin: germline.
Comment: This sequence change replaces asparagine, which is neutral and polar, with serine, which is neutral and polar, at codon 610 of the TBX3 protein (p.Asn610Ser). This variant is present in population databases (no rsID available, gnomAD no frequency). This variant has not been reported in the literature in individuals affected with TBX3-related conditions. ClinVar contains an entry for this variant (Variation ID: 2493974). An algorithm developed to predict the effect of missense changes on protein structure and function outputs the following: PolyPhen-2: "Benign". The serine amino acid residue is found in multiple mammalian species, which suggests that this missense change does not adversely affect protein function. In summary, the available evidence is currently insufficient to determine the role of this variant in disease. Therefore, it has been classified as a Variant of Uncertain Significance.

Ambry Genetics
Classification: Uncertain significance for Inborn genetic diseases. Last evaluated: 2023-03-06. Review status: criteria provided, single submitter. Criteria: Ambry Variant Classification Scheme 2023. Collection method: clinical testing. Allele origin: germline.

NM_005996.4(TBX3):c.1829A>G (p.Asn610Ser)

Gene: TBX3 (T-box transcription factor 3; minus strand). Cytogenetic location: 12q24.21.
Variant type: single nucleotide variant.
Coding change: c.1829A>G on transcript NM_005996.4 (MANE Select); coding-DNA position 1829, A replaced by G.
Protein change: p.Asn610Ser; replaces asparagine 610 with serine.
Molecular consequence: missense variant.
Genome position (GRCh38, 1-based): chr12:114,672,184, T>C on the plus strand (A>G on the coding strand, the complement: TBX3 is on the minus strand). VCF-style: chr12-114672184-T-C. GRCh37 (hg19) VCF-style: chr12-115109989-T-C.
Other names: c.1889A>G, p.Asn630Ser (NM_016569.4); short protein forms N630S, N610S.
Identifiers: ClinVar variation 2493974 (VCV002493974.4), dbSNP rs1445898564, ClinGen allele CA386868099.